The following is an entry in ClinVar:

ClinVar aggregate classification (germline): Likely pathogenic. Review status: criteria provided, single submitter (1 of 4 stars). 2 submissions from 1 submitter: Likely pathogenic (2). Last evaluated 2024-05-29.

Conditions:
Autosomal recessive Alport syndrome (ATS2). Also called: COL4A4 Alport Syndrome and Thin Basement Membrane Nephropathy; ALPORT SYNDROME 2, AUTOSOMAL RECESSIVE; Alport syndrome type 2; COL4A3-Related Nephropathy. Identifiers: Orphanet 63, Orphanet 88919, MedGen C4746745, MONDO:0008762, OMIM 203780.
Benign familial hematuria. Also called: thin basement membrane disease. Identifiers: MedGen C0241908, MONDO:0957317.
Hematuria, benign familial, 1 (BFH1). Also called: THIN MEMBRANE NEPHROPATHY. Identifiers: MedGen CN376803, MONDO:0007709, OMIM 141200.

Submissions (2):

Fulgent Genetics
Classification: Likely pathogenic for Hematuria, benign familial, 1; Autosomal recessive Alport syndrome. Last evaluated: 2024-05-29. Review status: criteria provided, single submitter. Criteria: ACMG Guidelines, 2015. Collection method: clinical testing. Allele origin: germline.

Fulgent Genetics
Classification: Likely pathogenic for Hematuria, benign familial, 1; Autosomal recessive Alport syndrome. Last evaluated: 2021-06-30. Review status: criteria provided, single submitter. Criteria: ACMG Guidelines, 2015. Collection method: clinical testing. Allele origin: unknown.
Comment: This variant has been detected in individual(s) who were sent for testing of Renasight - kidney gene panel.

NM_000092.5(COL4A4):c.3289+1G>C

Gene: COL4A4 (collagen type IV alpha 4 chain; minus strand). Cytogenetic location: 2q36.3.
Variant type: single nucleotide variant.
Coding change: c.3289+1G>C on transcript NM_000092.5 (MANE Select); the canonical splice donor site of the intron after coding-DNA position 3289, G replaced by C.
Molecular consequence: splice donor variant.
Genome position (GRCh38, 1-based): chr2:227,047,474, C>G on the plus strand (G>C on the coding strand, the complement: COL4A4 is on the minus strand). VCF-style: chr2-227047474-C-G. GRCh37 (hg19) VCF-style: chr2-227912190-C-G.
Identifiers: ClinVar variation 1179188 (VCV001179188.3), dbSNP rs1973128133, ClinGen allele CA350838611.